The following is an entry in ClinVar:

ClinVar aggregate classification (germline): Uncertain significance (1 of 4 stars; one submission).

Conditions:
Spastic paraplegia. Identifiers: MedGen C0037772, HP:0001258.

Allele frequency attached by ClinVar (database versions not stated): gnomAD exomes below 0.00001; TOPMed 0.00001.
gnomAD v4.1: 1 of 1,613,230 alleles (0.000062%); highest among the groups gnomAD compares: Non-Finnish European, 0.000085%; no homozygotes.

Submission:

Labcorp Genetics (formerly Invitae), Labcorp
Classification: Uncertain significance for Spastic paraplegia. Last evaluated: 2021-12-03. Review status: criteria provided, single submitter. Criteria: Invitae Variant Classification Sherloc (09022015). Collection method: clinical testing. Allele origin: germline.
Comment: In summary, the available evidence is currently insufficient to determine the role of this variant in disease. Therefore, it has been classified as a Variant of Uncertain Significance. Algorithms developed to predict the effect of missense changes on protein structure and function are either unavailable or do not agree on the potential impact of this missense change (SIFT: "Deleterious"; PolyPhen-2: "Benign"; Align-GVGD: "Class C0"). This variant has not been reported in the literature in individuals affected with AP4E1-related conditions. This variant is not present in population databases (gnomAD no frequency). This sequence change replaces isoleucine, which is neutral and non-polar, with valine, which is neutral and non-polar, at codon 341 of the AP4E1 protein (p.Ile341Val).

NM_007347.5(AP4E1):c.1021A>G (p.Ile341Val)

Gene: AP4E1 (adaptor related protein complex 4 subunit epsilon 1; plus strand). Cytogenetic location: 15q21.2.
Variant type: single nucleotide variant.
Coding change: c.1021A>G on transcript NM_007347.5 (MANE Select); coding-DNA position 1021, A replaced by G.
Protein change: p.Ile341Val; replaces isoleucine 341 with valine.
Molecular consequence: missense variant.
Genome position (GRCh38, 1-based): chr15:50,941,519, A>G. VCF-style: chr15-50941519-A-G. GRCh37 (hg19) VCF-style: chr15-51233716-A-G.
Other names: c.796A>G, p.Ile266Val (NM_001252127.2); short protein forms I266V, I341V.
Identifiers: ClinVar variation 1392537 (VCV001392537.9), dbSNP rs1311207258, ClinGen allele CA392416721.